The following is an entry in ClinVar:

NM_000077.5(CDKN2A):c.427G>T (p.Ala143Ser)

Gene: CDKN2A (cyclin dependent kinase inhibitor 2A; minus strand). Cytogenetic location: 9p21.3.
Variant type: single nucleotide variant.
Coding change: c.427G>T on transcript NM_000077.5; coding-DNA position 427, G replaced by T.
Protein change: p.Ala143Ser; replaces alanine 143 with serine.
Molecular consequence: missense variant (on NM_000077.6). On other transcripts: 3 prime UTR variant (2).
Genome position (GRCh38, 1-based): chr9:21,970,932, C>A on the plus strand (G>T on the coding strand, the complement: CDKN2A is on the minus strand). VCF-style: chr9-21970932-C-A. GRCh37 (hg19) VCF-style: chr9-21970931-C-A.
Other names: c.427G>T, p.Ala143Ser (NM_000077.6, NM_001195132.2); c.274G>T, p.Ala92Ser (NM_001363763.2); c.*71G>T (NM_058195.4); c.*350G>T (NM_058197.5); short protein forms A92S, A143S.
Identifiers: ClinVar variation 4224788 (VCV004224788.1).

ClinVar aggregate classification (germline): Uncertain significance (1 of 4 stars; one submission).

Conditions:
Hereditary cancer-predisposing syndrome. Also called: Neoplastic Syndromes, Hereditary; Tumor predisposition; Hereditary neoplastic syndrome; Hereditary Cancer Syndrome. Identifiers: Orphanet 140162, MedGen C0027672, MeSH D009386, MONDO:0015356.

Submission:

Ambry Genetics
Classification: Uncertain significance for Hereditary cancer-predisposing syndrome. Last evaluated: 2025-09-11. Review status: criteria provided, single submitter. Criteria: Ambry Variant Classification Scheme 2023. Collection method: clinical testing. Allele origin: germline.
Comment: The p.A143S variant (also known as c.427G>T), located in coding exon 2 of the CDKN2A gene, results from a G to T substitution at nucleotide position 427. The alanine at codon 143 is replaced by serine, an amino acid with similar properties. This amino acid position is not well conserved in available vertebrate species. In addition, this alteration is predicted to be tolerated by in silico analysis. Based on the available evidence, the clinical significance of this variant remains unclear.